The following is an entry in ClinVar:

NM_006269.2(RP1):c.2749C>T (p.Gln917Ter)

Gene: RP1 (RP1 axonemal microtubule associated; plus strand). Cytogenetic location: 8q12.1.
Variant type: single nucleotide variant.
Coding change: c.2749C>T on transcript NM_006269.2 (MANE Select); coding-DNA position 2749, C replaced by T.
Protein change: p.Gln917Ter; replaces glutamine 917 with a stop codon.
Molecular consequence: nonsense.
Genome position (GRCh38, 1-based): chr8:54,626,631, C>T. VCF-style: chr8-54626631-C-T. GRCh37 (hg19) VCF-style: chr8-55539191-C-T.
Other names: short protein forms Q917*.
Identifiers: ClinVar variation 236414 (VCV000236414.10), dbSNP rs878853326, ClinGen allele CA10581674.
Genomic context (GRCh38, chr8:54,626,631, plus strand): 5'-TCTTTGAAAAAACCTGATTTTCCTGAGGCTATTGCTCATCATTCAATTCAAAATTATATA[C>T]AGAGTTGGTTGCAGAACATAAATCCATATCCAACTTTAAAGCCTATAAAATCAGCTCCAG-3'

ClinVar aggregate classification (germline): Pathogenic. Review status: criteria provided, multiple submitters, no conflicts (2 of 4 stars). 4 submissions from 4 submitters: Pathogenic (3). 1 of the submissions does not count toward it. Last evaluated 2026-01-12.

Conditions:
RP1-related disorder. Also called: RP1-related condition.
Inborn genetic diseases. Identifiers: MedGen C0950123, MeSH D030342.
Retinal dystrophy. Also called: Inherited retinal dystrophy. Identifiers: Orphanet 71862, MedGen C0854723, MeSH D058499, MONDO:0019118, HP:0000556.

Submissions (4):

Labcorp Genetics (formerly Invitae), Labcorp
Classification: Pathogenic. Last evaluated: 2026-01-12. Review status: criteria provided, single submitter. Criteria: Invitae Variant Classification Sherloc (09022015). Collection method: clinical testing. Allele origin: germline.
Comment: This sequence change creates a premature translational stop signal (p.Gln917*) in the RP1 gene. While this is not anticipated to result in nonsense mediated decay, it is expected to disrupt the last 1240 amino acid(s) of the RP1 protein. This variant is not present in population databases (gnomAD no frequency). This premature translational stop signal has been observed in individuals with autosomal dominant retinitis pigmentosa (PMID: 27160483, 27208204, 30731082). ClinVar contains an entry for this variant (Variation ID: 236414). This variant disrupts the C-terminus of the RP1 protein. Many variants that disrupt this region have been reported in individuals with either autosomal dominant or autosomal recessive retinitis pigmentosa (PMID: 11527933, 19933189, 29425069, 30027431, 33681214). Therefore, variants that disrupt this region are expected to be disease-causing. For these reasons, this variant has been classified as Pathogenic.

Blueprint Genetics
Classification: Pathogenic for RP1-related disorders. Last evaluated: 2023-10-14. Review status: criteria provided, single submitter. Criteria: ACMG Guidelines, 2015. Collection method: clinical testing. Allele origin: germline. Affected: yes. Observed: 5 variant alleles.

Ambry Genetics
Classification: Pathogenic for Inborn genetic diseases. Last evaluated: 2016-03-21. Review status: criteria provided, single submitter. Criteria: Ambry exome assertion method (8-5-2015). Collection method: clinical testing. Allele origin: germline. Affected: yes. Observed: 1 variant allele.

Centre for Genomic Medicine, Manchester, Central Manchester University Hospitals
Classification: Likely pathogenic for Retinal dystrophy. Review status: no assertion criteria provided. Collection method: clinical testing. Allele origin: germline. Affected: yes. Not counted in ClinVar's aggregate classification.

Literature cited by the submitters: PubMed 27160483 (cited by Labcorp Genetics (formerly Invitae), Labcorp); PubMed 27208204 (cited by Labcorp Genetics (formerly Invitae), Labcorp); PubMed 30731082 (cited by Labcorp Genetics (formerly Invitae), Labcorp); PubMed 11527933 (cited by Labcorp Genetics (formerly Invitae), Labcorp); PubMed 19933189 (cited by Labcorp Genetics (formerly Invitae), Labcorp); PubMed 29425069 (cited by Labcorp Genetics (formerly Invitae), Labcorp); PubMed 30027431 (cited by Labcorp Genetics (formerly Invitae), Labcorp); PubMed 33681214 (cited by Labcorp Genetics (formerly Invitae), Labcorp).